The following is an entry in ClinVar:

NM_182493.3(MYLK3):c.367A>G (p.Arg123Gly)

Gene: MYLK3 (myosin light chain kinase 3; minus strand). Cytogenetic location: 16q11.2.
Variant type: single nucleotide variant.
Coding change: c.367A>G on transcript NM_182493.3 (MANE Select); coding-DNA position 367, A replaced by G.
Protein change: p.Arg123Gly; replaces arginine 123 with glycine.
Molecular consequence: missense variant. On other transcripts: intron variant (1).
Genome position (GRCh38, 1-based): chr16:46,747,827, T>C on the plus strand (A>G on the coding strand, the complement: MYLK3 is on the minus strand). VCF-style: chr16-46747827-T-C. GRCh37 (hg19) VCF-style: chr16-46781739-T-C.
Other names: c.-113-7680A>G (NM_001308301.1); short protein forms R123G.
Identifiers: ClinVar variation 1467964 (VCV001467964.8), dbSNP rs965818049, ClinGen allele CA280241303.

ClinVar aggregate classification (germline): Uncertain significance (1 of 4 stars; one submission).

Allele frequency attached by ClinVar (database versions not stated): gnomAD exomes below 0.00001; TOPMed 0.00002; gnomAD 0.00004.
gnomAD v4.1: 9 of 1,614,074 alleles (0.00056%); highest among the groups gnomAD compares: African/African-American, 0.011%; no homozygotes.

Submission:

Labcorp Genetics (formerly Invitae), Labcorp
Classification: Uncertain significance. Last evaluated: 2025-06-18. Review status: criteria provided, single submitter. Criteria: Invitae Variant Classification Sherloc (09022015). Collection method: clinical testing. Allele origin: germline.
Comment: This sequence change replaces arginine, which is basic and polar, with glycine, which is neutral and non-polar, at codon 123 of the MYLK3 protein (p.Arg123Gly). This variant is present in population databases (no rsID available, gnomAD 0.008%). This variant has not been reported in the literature in individuals affected with MYLK3-related conditions. ClinVar contains an entry for this variant (Variation ID: 1467964). An algorithm developed to predict the effect of missense changes on protein structure and function (PolyPhen-2) suggests that this variant is likely to be tolerated. In summary, the available evidence is currently insufficient to determine the role of this variant in disease. Therefore, it has been classified as a Variant of Uncertain Significance.